The following is an entry in ClinVar:

ClinVar aggregate classification (germline): Uncertain significance. Review status: criteria provided, multiple submitters, no conflicts (2 of 4 stars). 2 submissions from 2 submitters: Uncertain significance (2). Last evaluated 2024-12-11.

Allele frequency attached by ClinVar (database versions not stated): gnomAD 0.00021; ESP Exome Variant Server 0.00046; 1000 Genomes Project 30x 0.00016; 1000 Genomes Project 0.00020; TOPMed 0.00029.
gnomAD v4.1: 537 of 1,614,246 alleles (0.033%); highest among the groups gnomAD compares: Non-Finnish European, 0.042%; no homozygotes.

Submissions (2):

Ambry Genetics
Classification: Uncertain significance. Last evaluated: 2024-12-11. Review status: criteria provided, single submitter. Criteria: Ambry Variant Classification Scheme 2023. Collection method: clinical testing. Allele origin: germline.

Labcorp Genetics (formerly Invitae), Labcorp
Classification: Uncertain significance. Last evaluated: 2022-03-21. Review status: criteria provided, single submitter. Criteria: Invitae Variant Classification Sherloc (09022015). Collection method: clinical testing. Allele origin: germline.
Comment: In summary, the available evidence is currently insufficient to determine the role of this variant in disease. Therefore, it has been classified as a Variant of Uncertain Significance. Algorithms developed to predict the effect of missense changes on protein structure and function are either unavailable or do not agree on the potential impact of this missense change (SIFT: "Deleterious"; PolyPhen-2: "Possibly Damaging"; Align-GVGD: "Class C0"). This variant has not been reported in the literature in individuals affected with SALL2-related conditions. This variant is present in population databases (rs140325387, gnomAD 0.03%). This sequence change replaces threonine, which is neutral and polar, with isoleucine, which is neutral and non-polar, at codon 616 of the SALL2 protein (p.Thr616Ile).

NM_001364564.1(SALL2):c.1841C>T (p.Thr614Ile)

Gene: SALL2 (spalt like transcription factor 2; minus strand). Cytogenetic location: 14q11.2.
Variant type: single nucleotide variant.
Coding change: c.1841C>T on transcript NM_001364564.1 (MANE Select); coding-DNA position 1841, C replaced by T.
Protein change: p.Thr614Ile; replaces threonine 614 with isoleucine.
Molecular consequence: missense variant.
Genome position (GRCh38, 1-based): chr14:21,523,881, G>A on the plus strand (C>T on the coding strand, the complement: SALL2 is on the minus strand). VCF-style: chr14-21523881-G-A. GRCh37 (hg19) VCF-style: chr14-21992015-G-A.
Other names: c.1442C>T, p.Thr481Ile (NM_001291446.2); c.1436C>T, p.Thr479Ile (NM_001291447.2); c.1847C>T, p.Thr616Ile (NM_005407.3); short protein forms T479I, T481I, T616I, T614I.
Identifiers: ClinVar variation 2071151 (VCV002071151.6), dbSNP rs140325387, ClinGen allele CA7093593.